The following is an entry in ClinVar:

NM_000421.5(KRT10):c.1460A>G (p.His487Arg)

Gene: KRT10 (keratin 10; minus strand). Cytogenetic location: 17q21.2.
Variant type: single nucleotide variant.
Coding change: c.1460A>G on transcript NM_000421.5 (MANE Select); coding-DNA position 1460, A replaced by G.
Protein change: p.His487Arg; replaces histidine 487 with arginine.
Molecular consequence: missense variant.
Genome position (GRCh38, 1-based): chr17:40,819,075, T>C on the plus strand (A>G on the coding strand, the complement: KRT10 is on the minus strand). VCF-style: chr17-40819075-T-C. GRCh37 (hg19) VCF-style: chr17-38975327-T-C.
Other names: c.1460A>G (NM_000421.3); c.1460A>G, p.His487Arg (NM_001379366.1); short protein forms H487R.
Identifiers: ClinVar variation 2155917 (VCV002155917.5), dbSNP rs1463314669, ClinGen allele CA399389645.
Genomic context (GRCh38, chr17:40,819,075, plus strand): 5'-CCGCCGCCGGAGCTTCCGCCTCCGTAGCCGCCGCCGGAACTGCCGCCGTGGCCGCCGCCG[T>C]GGCCGCCGCCGGAGCTTCCGCCGCCGGAGCTTCCGCCGCCGTAGCCGCCGCCGAAACTTC-3'
Protein context (NP_000412.4, residues 477-497): SSGGGSSGGG[His487Arg]GGGHGGSSGG

ClinVar aggregate classification (germline): Uncertain significance. Review status: criteria provided, multiple submitters, no conflicts (2 of 4 stars). 2 submissions from 2 submitters: Uncertain significance (2). Last evaluated 2025-09-24.

Conditions:
Inborn genetic diseases. Identifiers: MedGen C0950123, MeSH D030342.

gnomAD v4.1: 33 of 1,215,212 alleles (0.0027%); highest among the groups gnomAD compares: Non-Finnish European, 0.0034%; no homozygotes.

Submissions (2):

Labcorp Genetics (formerly Invitae), Labcorp
Classification: Uncertain significance. Last evaluated: 2025-09-24. Review status: criteria provided, single submitter. Criteria: Invitae Variant Classification Sherloc (09022015). Collection method: clinical testing. Allele origin: germline.
Comment: This sequence change replaces histidine, which is basic and polar, with arginine, which is basic and polar, at codon 487 of the KRT10 protein (p.His487Arg). This variant is not present in population databases (gnomAD no frequency). This variant has not been reported in the literature in individuals affected with KRT10-related conditions. ClinVar contains an entry for this variant (Variation ID: 2155917). Invitae Evidence Modeling of protein sequence and biophysical properties (such as structural, functional, and spatial information, amino acid conservation, physicochemical variation, residue mobility, and thermodynamic stability) indicates that this missense variant is not expected to disrupt KRT10 protein function with a negative predictive value of 80%. In summary, the available evidence is currently insufficient to determine the role of this variant in disease. Therefore, it has been classified as a Variant of Uncertain Significance.

Ambry Genetics
Classification: Uncertain significance for Inborn genetic diseases. Last evaluated: 2025-09-05. Review status: criteria provided, single submitter. Criteria: Ambry Variant Classification Scheme 2023. Collection method: clinical testing. Allele origin: germline.